The following is an entry in ClinVar:

ClinVar aggregate classification (germline): Uncertain significance. Review status: criteria provided, multiple submitters, no conflicts (2 of 4 stars). 2 submissions from 2 submitters: Uncertain significance (2). Last evaluated 2024-05-14.

Allele frequency attached by ClinVar (database versions not stated): gnomAD exomes 0.00001; gnomAD 0.00002; TOPMed 0.00003.
gnomAD v4.1: 24 of 1,612,056 alleles (0.0015%); highest among the groups gnomAD compares: Admixed American, 0.0033%; no homozygotes.

Submissions (2):

Ambry Genetics
Classification: Uncertain significance. Last evaluated: 2024-05-14. Review status: criteria provided, single submitter. Criteria: Ambry Variant Classification Scheme 2023. Collection method: clinical testing. Allele origin: germline.

Labcorp Genetics (formerly Invitae), Labcorp
Classification: Uncertain significance. Last evaluated: 2022-12-31. Review status: criteria provided, single submitter. Criteria: Invitae Variant Classification Sherloc (09022015). Collection method: clinical testing. Allele origin: germline.
Comment: In summary, the available evidence is currently insufficient to determine the role of this variant in disease. Therefore, it has been classified as a Variant of Uncertain Significance. Algorithms developed to predict the effect of missense changes on protein structure and function are either unavailable or do not agree on the potential impact of this missense change (SIFT: "Deleterious"; PolyPhen-2: "Probably Damaging"; Align-GVGD: "Class C0"). This variant has not been reported in the literature in individuals affected with ARHGEF1-related conditions. This variant is present in population databases (no rsID available, gnomAD 0.01%). This sequence change replaces arginine, which is basic and polar, with tryptophan, which is neutral and slightly polar, at codon 291 of the ARHGEF1 protein (p.Arg291Trp).

NM_004706.4(ARHGEF1):c.826C>T (p.Arg276Trp)

Gene: ARHGEF1 (Rho guanine nucleotide exchange factor 1; plus strand). Cytogenetic location: 19q13.2.
Variant type: single nucleotide variant.
Coding change: c.826C>T on transcript NM_004706.4 (MANE Select); coding-DNA position 826, C replaced by T.
Protein change: p.Arg276Trp; replaces arginine 276 with tryptophan.
Molecular consequence: missense variant. On other transcripts: non-coding transcript variant (2).
Genome position (GRCh38, 1-based): chr19:41,894,532, C>T. VCF-style: chr19-41894532-C-T. GRCh37 (hg19) VCF-style: chr19-42398605-C-T.
Other names: c.826C>T, p.Arg276Trp (NM_001396000.1, NM_001396003.1, NM_001396006.1); c.727C>T, p.Arg243Trp (NM_001396002.1, NM_001396004.1, NM_198977.2); c.871C>T, p.Arg291Trp (NM_199002.2); c.871C>T (NM_199002.1); short protein forms R243W, R276W, R291W.
Identifiers: ClinVar variation 2967399 (VCV002967399.4), dbSNP rs1414290766, ClinGen allele CA406052727.